The following is an entry in ClinVar:

NM_000016.6(ACADM):c.-6_6delinsACCCCGAGTG (p.Met1fs)

Gene: ACADM (acyl-CoA dehydrogenase medium chain; plus strand). Cytogenetic location: 1p31.1.
Variant type: Indel.
Coding change: c.-6_6delinsACCCCGAGTG on transcript NM_000016.6 (MANE Select); 6 bases upstream of the start codon through coding-DNA position 6, GCCAACATGGCA replaced by ACCCCGAGTG.
Protein change: p.Met1fs; shifts the reading frame from methionine 1.
Molecular consequence: frameshift variant, initiator codon variant. On other transcripts: 5 prime UTR variant (2).
Genome position (GRCh38, 1-based): chr1:75,724,782-75,724,793, GCCAACATGGCA replaced by ACCCCGAGTG. VCF-style: chr1-75724782-GCCAACATGGCA-ACCCCGAGTG. GRCh37 (hg19) VCF-style: chr1-76190467-GCCAACATGGCA-ACCCCGAGTG.
Other names: c.-6_6delinsACCCCGAGTG, p.Met1fs (NM_001127328.3, NM_001286043.2); c.-26_-15delinsACCCCGAGTG (NM_001286042.2); c.-303_-292delinsACCCCGAGTG (NM_001286044.2); c.-6_6delGCCAACATGGCAinsACCCCGAGTG (NM_000016.5); short protein forms M1fs.
Identifiers: ClinVar variation 966945 (VCV000966945.11), dbSNP rs875989865, ClinGen allele CA1139656166.
Genomic context (GRCh38, chr1:75,724,782, plus strand): 5'-GTTCGGGGAGTATGTCAAGGCCGTGACCCGTGTATTATTGTCCGAGTGGCCGGAACGGGA[GCCAACATGGCA>ACCCCGAGTG]GCGGGGTTCGGGCGATGCTGCAGGGTGAGAGGGAGCCCAGCGGTGCGGTGGGGCTGGAAC-3'

ClinVar aggregate classification (germline): Pathogenic/Likely pathogenic. Review status: criteria provided, multiple submitters, no conflicts (2 of 4 stars). 3 submissions from 3 submitters: Pathogenic (1); Likely pathogenic (2). Last evaluated 2025-07-21.

Conditions:
Medium-chain acyl-coenzyme A dehydrogenase deficiency (ACADMD). Also called: MCADH DEFICIENCY; CARNITINE DEFICIENCY SECONDARY TO MEDIUM-CHAIN ACYL-CoA DEHYDROGENASE DEFICIENCY; MCAD Deficiency; Medium chain acyl-CoA dehydrogenase deficiency; MCADD; ACADM DEFICIENCY. Identifiers: Orphanet 42, MedGen C0220710, MONDO:0008721, OMIM 201450.

Submissions (3):

Natera, Inc.
Classification: Likely pathogenic for Medium Chain Acyl-CoA Dehydrogenase Deficiency. Last evaluated: 2025-07-21. Review status: criteria provided, single submitter. Criteria: Natera Variant Classification Schema (03/2026). Collection method: clinical testing. Allele origin: germline.
Comment: The c.-6_6delGCCAACATGGCAinsACCCCGAGTG variant in ACADM is predicted to result in start loss due to disruption of the initiator methionine. This variant is expected to result in nonsense mediated decay, truncation, or a dysfunctional protein product. This variant is rare in the general population with a frequency below the threshold expected for the associated phenotype(s). Given the available evidence, this variant is classified as Likely Pathogenic.

Labcorp Genetics (formerly Invitae), Labcorp
Classification: Pathogenic for Medium-chain acyl-coenzyme A dehydrogenase deficiency. Last evaluated: 2025-03-26. Review status: criteria provided, single submitter. Criteria: Invitae Variant Classification Sherloc (09022015). Collection method: clinical testing. Allele origin: germline.
Comment: This sequence change affects the initiator methionine of the ACADM mRNA. The next in-frame methionine is located at codon 87. This variant is not present in population databases (gnomAD no frequency). Disruption of the initiator codon has been observed in individual(s) with medium chain acyl-CoA dehydrogenase deficiency (PMID: 23028790, 30675864). In at least one individual the data is consistent with being in trans (on the opposite chromosome) from a pathogenic variant. ClinVar contains an entry for this variant (Variation ID: 966945). This variant disrupts a region of the ACADM protein in which other variant(s) (p.Arg29Leu) have been determined to be pathogenic (PMID: 20434380; internal data). This suggests that this is a clinically significant region of the protein, and that variants that disrupt it are likely to be disease-causing. For these reasons, this variant has been classified as Pathogenic.

Revvity Omics, Revvity
Classification: Likely pathogenic for Medium-chain acyl-coenzyme A dehydrogenase deficiency. Last evaluated: 2021-05-12. Review status: criteria provided, single submitter. Criteria: ACMG Guidelines, 2015. Collection method: clinical testing. Allele origin: germline.

Literature cited by the submitters: PubMed 23028790 (cited by Labcorp Genetics (formerly Invitae), Labcorp); PubMed 30675864 (cited by Labcorp Genetics (formerly Invitae), Labcorp); PubMed 20434380 (cited by Labcorp Genetics (formerly Invitae), Labcorp).